The following is an entry in ClinVar:

ClinVar aggregate classification (germline): Pathogenic. Review status: reviewed by expert panel (3 of 4 stars). 3 submissions from 3 submitters: Pathogenic (1). 2 of the submissions do not count toward it. Last evaluated 2016-10-18.

Conditions:
Hereditary cancer-predisposing syndrome. Also called: Hereditary Cancer Syndrome; Neoplastic Syndromes, Hereditary; Hereditary neoplastic syndrome; Tumor predisposition. Identifiers: Orphanet 140162, MedGen C0027672, MeSH D009386, MONDO:0015356.
Breast-ovarian cancer, familial, susceptibility to, 1 (BROVCA1). Also called: BRCA1 Hereditary Breast and Ovarian Cancer; OVARIAN CANCER, SUSCEPTIBILITY TO. Identifiers: Orphanet 145, MedGen C2676676, MONDO:0011450, OMIM 604370. Disease mechanism: loss of function.

Submissions (3):

Evidence-based Network for the Interpretation of Germline Mutant Alleles (ENIGMA)
Classification: Pathogenic for Breast-ovarian cancer, familial, susceptibility to, 1. Last evaluated: 2016-10-18. Review status: reviewed by expert panel. Criteria: ENIGMA BRCA1/2 Classification Criteria (2015). Collection method: curation. Allele origin: germline.
Comment: Variant allele predicted to encode a truncated non-functional protein.

Color Diagnostics, LLC DBA Color Health
Classification: Pathogenic for Hereditary cancer-predisposing syndrome. Last evaluated: 2023-07-06. Review status: criteria provided, single submitter. Criteria: ACMG Guidelines, 2015. Collection method: clinical testing. Allele origin: germline. Not counted in ClinVar's aggregate classification.
Comment: This variant deletes 1 nucleotide in exon 6 of the BRCA1 gene, creating a frameshift and premature translation stop signal. This variant is expected to result in an absent or non-functional protein product. This variant has been reported in individuals affected with high-risk breast cancer and/or ovarian cancer (PMID: 24010542, 31300551) and has been identified in families among the CiMBA participants (PMID: 29446198, 30702160, 32614418). This variant has not been identified in the general population by the Genome Aggregation Database (gnomAD). Loss of BRCA1 function is a known mechanism of disease. Based on the available evidence, this variant is classified as Pathogenic.

Consortium of Investigators of Modifiers of BRCA1/2 (CIMBA), c/o University of Cambridge
Classification: Pathogenic for Breast-ovarian cancer, familial, susceptibility to, 1. Last evaluated: 2015-10-02. Review status: criteria provided, single submitter. Criteria: CIMBA Mutation Classification guidelines May 2016. Collection method: clinical testing. Allele origin: germline. Not counted in ClinVar's aggregate classification.

Literature cited by the submitters: PubMed 24010542 (cited by Color Diagnostics, LLC DBA Color Health); PubMed 29446198 (cited by Color Diagnostics, LLC DBA Color Health); PubMed 30702160 (cited by Color Diagnostics, LLC DBA Color Health); PubMed 31300551 (cited by Color Diagnostics, LLC DBA Color Health); PubMed 32614418 (cited by Color Diagnostics, LLC DBA Color Health).

NM_007294.4(BRCA1):c.331del (p.Glu111fs)

Gene: BRCA1 (BRCA1 DNA repair associated; minus strand). Cytogenetic location: 17q21.31.
Variant type: Deletion.
Coding change: c.331del on transcript NM_007294.4 (MANE Select); coding-DNA position 331, one base deleted (G; older notation c.331delG).
Protein change: p.Glu111fs; shifts the reading frame from glutamic acid 111.
Molecular consequence: frameshift variant. On other transcripts: non-coding transcript variant (1).
Genome position (GRCh38, 1-based): chr17:43,104,232, C deleted on the plus strand (G on the coding strand, the reverse complement: BRCA1 is on the minus strand); the first of 2 consecutive C bases (chr17:43,104,232-43,104,233); deleting either gives the same sequence. VCF-style (leftmost placement, unchanged base first): chr17-43104231-TC-T. GRCh37 (hg19) VCF-style: chr17-41256248-TC-T.
Other names: 449delG; c.120delG, p.Glu41Lysfs (NM_001407571.1, NM_001408502.1, NM_001408506.1 and 58 more transcripts); c.330delG, p.Glu111Lysfs (NM_001408495.1, NM_001407581.1, NM_001407582.1 and 164 more transcripts); c.189delG, p.Glu64Lysfs (NM_001408496.1, NM_001408497.1, NM_001408498.1 and 98 more transcripts); c.-52delG (NM_001408510.1, NM_001408512.1, NM_001407959.1 and 4 more transcripts); c.190del, p.Glu64fs (NM_007297.4); c.331del, p.Glu111fs (NM_007299.4, NM_007300.4); c.321delG, p.Glu108Lysfs (NM_001407646.1, NM_001407647.1, NM_001408408.1); and 2 more; short protein forms E64fs, E111fs.
Identifiers: ClinVar variation 266354 (VCV000266354.8), dbSNP rs886040114, ClinGen allele CA10590023.
Genomic context (GRCh38, chr17:43,104,231, plus strand): 5'-CTGTAGCCCATACTTTGGATGATAGAAACTTCATCTTTTAGATGTTCAGGAGAGTTATTT[TC>T]CTTTTTTGCAAAATTATAGCTGTTTGCATCTGTAAAATACAAGGGAAAACATTATGTTTG-3'